The following is an entry in ClinVar:

NM_020937.4(FANCM):c.2996C>A (p.Pro999Gln)

Gene: FANCM (FA complementation group M; plus strand). Cytogenetic location: 14q21.2.
Variant type: single nucleotide variant.
Coding change: c.2996C>A on transcript NM_020937.4 (MANE Select); coding-DNA position 2996, C replaced by A.
Protein change: p.Pro999Gln; replaces proline 999 with glutamine.
Molecular consequence: missense variant.
Genome position (GRCh38, 1-based): chr14:45,175,750, C>A. VCF-style: chr14-45175750-C-A. GRCh37 (hg19) VCF-style: chr14-45644953-C-A.
Other names: c.2918C>A, p.Pro973Gln (NM_001308133.2); short protein forms P999Q, P973Q.
Identifiers: ClinVar variation 4754697 (VCV004754697.1).

ClinVar aggregate classification (germline): Uncertain significance (1 of 4 stars; one submission).

Conditions:
Fanconi anemia (FA). Also called: Fanconi's anemia. Identifiers: Orphanet 84, MedGen C0015625, MeSH D005199, MONDO:0019391.

gnomAD v4.1: 4 of 1,613,628 alleles (0.00025%); highest among the groups gnomAD compares: Non-Finnish European, 0.00034%; no homozygotes.

Submission:

Labcorp Genetics (formerly Invitae), Labcorp
Classification: Uncertain significance for Fanconi anemia. Last evaluated: 2025-04-03. Review status: criteria provided, single submitter. Criteria: Invitae Variant Classification Sherloc (09022015). Collection method: clinical testing. Allele origin: germline.
Comment: This sequence change replaces proline, which is neutral and non-polar, with glutamine, which is neutral and polar, at codon 999 of the FANCM protein (p.Pro999Gln). This variant is present in population databases (rs148304968, gnomAD 0.0009%). This variant has not been reported in the literature in individuals affected with FANCM-related conditions. An algorithm developed to predict the effect of missense changes on protein structure and function (PolyPhen-2) suggests that this variant is likely to be disruptive. In summary, the available evidence is currently insufficient to determine the role of this variant in disease. Therefore, it has been classified as a Variant of Uncertain Significance.